The following is an entry in ClinVar:

NM_001376.5(DYNC1H1):c.1237A>G (p.Met413Val)

Gene: DYNC1H1 (dynein cytoplasmic 1 heavy chain 1; plus strand). Cytogenetic location: 14q32.31.
Variant type: single nucleotide variant.
Coding change: c.1237A>G on transcript NM_001376.5 (MANE Select); coding-DNA position 1237, A replaced by G.
Protein change: p.Met413Val; replaces methionine 413 with valine.
Molecular consequence: missense variant.
Genome position (GRCh38, 1-based): chr14:101,983,385, A>G. VCF-style: chr14-101983385-A-G. GRCh37 (hg19) VCF-style: chr14-102449722-A-G.
Other names: short protein forms M413V.
Identifiers: ClinVar variation 4761356 (VCV004761356.1).

ClinVar aggregate classification (germline): Uncertain significance (1 of 4 stars; one submission).

Conditions:
Charcot-Marie-Tooth disease axonal type 2O. Also called: CHARCOT-MARIE-TOOTH NEUROPATHY, AXONAL, TYPE 2O; CHARCOT-MARIE-TOOTH DISEASE, AXONAL, AUTOSOMAL DOMINANT, TYPE 2O; Charcot-Marie-Tooth Neuropathy Type 2O; Charcot-Marie-Tooth disease, axonal, type 20. Identifiers: Orphanet 284232, MedGen C3280220, MONDO:0013644, OMIM 614228.

Submission:

Labcorp Genetics (formerly Invitae), Labcorp
Classification: Uncertain significance for Charcot-Marie-Tooth disease axonal type 2O. Last evaluated: 2025-06-04. Review status: criteria provided, single submitter. Criteria: Invitae Variant Classification Sherloc (09022015). Collection method: clinical testing. Allele origin: germline.
Comment: This sequence change replaces methionine, which is neutral and non-polar, with valine, which is neutral and non-polar, at codon 413 of the DYNC1H1 protein (p.Met413Val). This variant is not present in population databases (gnomAD no frequency). This variant has not been reported in the literature in individuals affected with DYNC1H1-related conditions. Invitae Evidence Modeling of protein sequence and biophysical properties (such as structural, functional, and spatial information, amino acid conservation, physicochemical variation, residue mobility, and thermodynamic stability) has been performed for this missense variant. However, the output from this modeling did not meet the statistical confidence thresholds required to predict the impact of this variant on DYNC1H1 protein function. In summary, the available evidence is currently insufficient to determine the role of this variant in disease. Therefore, it has been classified as a Variant of Uncertain Significance.